The following is an entry in ClinVar:

ClinVar aggregate classification (germline): Pathogenic/Likely pathogenic. Review status: criteria provided, multiple submitters, no conflicts (2 of 4 stars). 2 submissions from 2 submitters: Pathogenic (1); Likely pathogenic (1). Last evaluated 2022-11-22.

Conditions:
ADAMTS18-related disorder. Also called: ADAMTS18-related condition.

Allele frequency attached by ClinVar (database versions not stated): ExAC 0.00002; gnomAD exomes 0.00002.
gnomAD v4.1: 15 of 1,612,966 alleles (0.00093%); highest among the groups gnomAD compares: Admixed American, 0.015%; no homozygotes.

Submissions (2):

Labcorp Genetics (formerly Invitae), Labcorp
Classification: Pathogenic. Last evaluated: 2022-11-22. Review status: criteria provided, single submitter. Criteria: Invitae Variant Classification Sherloc (09022015). Collection method: clinical testing. Allele origin: germline.
Comment: This sequence change creates a premature translational stop signal (p.Arg1009*) in the ADAMTS18 gene. It is expected to result in an absent or disrupted protein product. Loss-of-function variants in ADAMTS18 are known to be pathogenic (PMID: 23818446, 24874986). For these reasons, this variant has been classified as Pathogenic. ClinVar contains an entry for this variant (Variation ID: 1361816). This variant has not been reported in the literature in individuals affected with ADAMTS18-related conditions. This variant is present in population databases (rs751029682, gnomAD 0.01%).

Blueprint Genetics
Classification: Likely pathogenic for ADAMTS18-related disorders. Last evaluated: 2019-04-19. Review status: criteria provided, single submitter. Criteria: ACMG Guidelines, 2015. Collection method: clinical testing. Allele origin: germline. Affected: yes. Observed: 1 variant allele.

Literature cited by the submitters: PubMed 23818446 (cited by Labcorp Genetics (formerly Invitae), Labcorp); PubMed 24874986 (cited by Labcorp Genetics (formerly Invitae), Labcorp).

NM_199355.4(ADAMTS18):c.3025C>T (p.Arg1009Ter)

Gene: ADAMTS18 (ADAM metallopeptidase with thrombospondin type 1 motif 18; minus strand). Cytogenetic location: 16q23.1.
Variant type: single nucleotide variant.
Coding change: c.3025C>T on transcript NM_199355.4 (MANE Select); coding-DNA position 3025, C replaced by T.
Protein change: p.Arg1009Ter; replaces arginine 1009 with a stop codon.
Molecular consequence: nonsense.
Genome position (GRCh38, 1-based): chr16:77,293,240, G>A on the plus strand (C>T on the coding strand, the complement: ADAMTS18 is on the minus strand). VCF-style: chr16-77293240-G-A. GRCh37 (hg19) VCF-style: chr16-77327137-G-A.
Other names: c.2509C>T, p.Arg837Ter (NM_001326358.2); short protein forms R1009*, R837*.
Identifiers: ClinVar variation 1361816 (VCV001361816.7), dbSNP rs751029682, ClinGen allele CA8180637.